The following is an entry in ClinVar:

ClinVar aggregate classification (germline): Uncertain significance. Review status: criteria provided, single submitter (1 of 4 stars). 2 submissions from 2 submitters: Uncertain significance (1). 1 of the submissions does not count toward it.

Allele frequency attached by ClinVar (database versions not stated): ESP Exome Variant Server 0.00269; 1000 Genomes Project 0.00280; 1000 Genomes Project 30x 0.00328.

Submissions (2):

Breakthrough Genomics
Classification: Uncertain significance. Review status: criteria provided, single submitter. Criteria: ACMG Guidelines, 2015. Collection method: not provided. Allele origin: germline. Inheritance: Autosomal dominant inheritance. Affected: yes.

Department of Pathology and Laboratory Medicine, Sinai Health System
Classification: Uncertain significance. Review status: no assertion criteria provided. Collection method: clinical testing. Allele origin: unknown. Affected: yes. Study: The Canadian Open Genetics Repository (COGR). Not counted in ClinVar's aggregate classification.
Comment: The MOG p.Phe212Leu variant was not identified in the literature nor was it identified in ClinVar. The variant was identified in dbSNP (ID: rs112913018) and LOVD 3.0. The variant was identified in control databases in 212 of 282896 chromosomes at a frequency of 0.0007494 increasing the likelihood this could be a low frequency benign variant (Genome Aggregation Database March 6, 2019, v2.1.1). The variant was observed in the following populations: African in 198 of 24966 chromosomes (freq: 0.007931), Latino in 11 of 35440 chromosomes (freq: 0.00031), Other in 2 of 7228 chromosomes (freq: 0.000277) and European (non-Finnish) in 1 of 129198 chromosomes (freq: 0.000008), but was not observed in the Ashkenazi Jewish, East Asian, European (Finnish), or South Asian populations. The p.Phe212 residue is conserved in mammals and computational analyses (PolyPhen-2, SIFT, AlignGVGD, BLOSUM, MutationTaster) provide inconsistent predictions regarding the impact to the protein; this information is not very predictive of pathogenicity. The variant occurs outside of the splicing consensus sequence and 1 of 4 in silico or computational prediction software programs (SpliceSiteFinder, MaxEntScan, NNSPLICE, GeneSplicer) predict a greater than 10% difference in splicing; this is not very predictive of pathogenicity. In summary, based on the above information the clinical significance of this variant cannot be determined with certainty at this time. This variant is classified as a variant of uncertain significance.

NM_206809.4(MOG):c.636T>A (p.Phe212Leu)

Gene: MOG (myelin oligodendrocyte glycoprotein; plus strand). Cytogenetic location: 6p22.1.
Variant type: single nucleotide variant.
Coding change: c.636T>A on transcript NM_206809.4 (MANE Select); coding-DNA position 636, T replaced by A.
Protein change: p.Phe212Leu; replaces phenylalanine 212 with leucine.
Molecular consequence: missense variant. On other transcripts: intron variant (6).
Genome position (GRCh38, 1-based): chr6:29,670,324, T>A. VCF-style: chr6-29670324-T-A. GRCh37 (hg19) VCF-style: chr6-29638101-T-A.
Other names: c.636T>A, p.Phe212Leu (NM_001363610.2, NM_002433.5); c.288T>A, p.Phe96Leu (NM_206814.6); c.640+103T>A (NM_001008228.3, NM_206811.4); c.593-377T>A (NM_206812.4, NM_206810.4); c.593-1098T>A (NM_001008229.3); c.292+103T>A (NM_001170418.2); short protein forms F212L, F96L.
Identifiers: ClinVar variation 1050364 (VCV001050364.2), dbSNP rs112913018, ClinGen allele CA3690555.